The following is an entry in ClinVar:

ClinVar aggregate classification (germline): Conflicting classifications of pathogenicity. Review status: criteria provided, conflicting classifications (1 of 4 stars). 5 submissions from 5 submitters: Uncertain significance (1); Benign (1); Likely benign (1). 2 of the submissions do not count toward it. Last evaluated 2026-02-04.

Conditions:
COL4A3-related disorder. Also called: COL4A3-Related Disorders; COL4A3-related condition.
Alport syndrome. Also called: Hemorrhagic familial nephritis; Hemorrhagic hereditary nephritis; Congenital hereditary hematuria. Identifiers: Orphanet 63, MedGen C1567741, MONDO:0018965.
Autosomal dominant Alport syndrome (ATS3A). Also called: Alport syndrome dominant type; Renal failure and sensorineural hearing loss; ALPORT SYNDROME 3A, AUTOSOMAL DOMINANT. Identifiers: Orphanet 63, Orphanet 88918, MedGen C5882663, MONDO:0007086, OMIM 104200.

Allele frequency attached by ClinVar (database versions not stated): gnomAD 0.00007 and 0.00009; gnomAD exomes 0.00014 and 0.00030; TOPMed 0.00021; 1000 Genomes Project 30x 0.00031; ExAC 0.00033; 1000 Genomes Project 0.00040.
gnomAD v4.1: 213 of 1,613,064 alleles (0.013%); highest among the groups gnomAD compares: East Asian, 0.41%; 1 homozygote.

Submissions (5):

Labcorp Genetics (formerly Invitae), Labcorp
Classification: Likely benign. Last evaluated: 2026-02-04. Review status: criteria provided, single submitter. Criteria: Invitae Variant Classification Sherloc (09022015). Collection method: clinical testing. Allele origin: germline.

Laboratory for Molecular Medicine, Mass General Brigham Personalized Medicine
Classification: Benign. Last evaluated: 2018-08-08. Review status: criteria provided, single submitter. Criteria: LMM Criteria. Collection method: clinical testing. Allele origin: germline. Observed: 1 variant allele.
Comment: The p.Arg1159His variant in COL4A3 is classified as benign due to a lack of cons ervation across species, including mammals. Of note, more than 10 mammals have a Histidine (His) at this position despite high nearby amino acid conservation. I n addition, computational prediction tools do not suggest a high likelihood of i mpact to the protein. It has also been identified in 0.4% (70/18864) of East Asi an chromosomes by the Genome Aggregation Database (gnomAD, dbSNP rs145948549). ACMG/AMP Criteria applied: BS1, BP4_Strong.

Illumina Laboratory Services, Illumina
Classification: Uncertain significance for Alport syndrome. Last evaluated: 2018-01-13. Review status: criteria provided, single submitter. Criteria: ICSL Variant Classification Criteria 13 December 2019. Collection method: clinical testing. Allele origin: germline.

PreventionGenetics, part of Exact Sciences
Classification: Likely benign for COL4A3-related condition. Last evaluated: 2023-03-15. Review status: no assertion criteria provided. Collection method: clinical testing. Allele origin: germline. Not counted in ClinVar's aggregate classification.
Comment: This variant is classified as likely benign based on ACMG/AMP sequence variant interpretation guidelines (Richards et al. 2015 PMID: 25741868, with internal and published modifications).

Natera, Inc.
Classification: Likely benign for Autosomal dominant Alport syndrome. Last evaluated: 2020-02-17. Review status: no assertion criteria provided. Collection method: clinical testing. Allele origin: germline. Not counted in ClinVar's aggregate classification.

NM_000091.5(COL4A3):c.3476G>A (p.Arg1159His)

Genes: COL4A3 (collagen type IV alpha 3 chain; plus strand), MFF-DT (MFF divergent transcript; minus strand). Cytogenetic location: 2q36.3.
Variant type: single nucleotide variant.
Coding change: c.3476G>A on transcript NM_000091.5 (MANE Select); coding-DNA position 3476, G replaced by A.
Protein change: p.Arg1159His; replaces arginine 1159 with histidine.
Molecular consequence: missense variant.
Genome position (GRCh38, 1-based): chr2:227,295,021, G>A. VCF-style: chr2-227295021-G-A. GRCh37 (hg19) VCF-style: chr2-228159737-G-A.
Other names: short protein forms R1159H.
Identifiers: ClinVar variation 667044 (VCV000667044.21), dbSNP rs145948549, ClinGen allele CA2147259.